The following is an entry in ClinVar:

NM_000046.5(ARSB):c.1028A>T (p.Lys343Met)

Gene: ARSB (arylsulfatase B; minus strand). Cytogenetic location: 5q14.1.
Variant type: single nucleotide variant.
Coding change: c.1028A>T on transcript NM_000046.5 (MANE Select); coding-DNA position 1028, A replaced by T.
Protein change: p.Lys343Met; replaces lysine 343 with methionine.
Molecular consequence: missense variant.
Genome position (GRCh38, 1-based): chr5:78,885,698, T>A on the plus strand (A>T on the coding strand, the complement: ARSB is on the minus strand). VCF-style: chr5-78885698-T-A. GRCh37 (hg19) VCF-style: chr5-78181521-T-A.
Other names: c.1028A>T, p.Lys343Met (NM_198709.3); short protein forms K343M.
Identifiers: ClinVar variation 559665 (VCV000559665.1), dbSNP rs1554079305, ClinGen allele CA360343051.

ClinVar aggregate classification (germline): Uncertain significance (1 of 4 stars; one submission).

Conditions:
Mucopolysaccharidosis type 6 (MPS6). Also called: N-ACETYLGALACTOSAMINE-4-SULFATASE DEFICIENCY; MPS VI; MPS 6; Maroteaux Lamy syndrome; ARSB DEFICIENCY; ARYLSULFATASE B DEFICIENCY. Identifiers: Orphanet 583, MedGen C0026709, MONDO:0009661, OMIM 253200.

Submission:

Laboratory of Diagnosis and Therapy of Lysosomal Disorders, University of Padova
Classification: Uncertain significance for Mucopolysaccharidosis type 6. Last evaluated: 2018-01-01. Review status: criteria provided, single submitter. Criteria: ACMG Guidelines, 2015. Collection method: curation. Allele origin: germline. Affected: yes.
Comment: Absent from GnomAD (PM2)

Literature cited by the submitters: PubMed 17458871; PubMed 30118150.